The following is an entry in ClinVar:

ClinVar aggregate classification (germline): Uncertain significance. Review status: criteria provided, multiple submitters, no conflicts (2 of 4 stars). 2 submissions from 2 submitters: Uncertain significance (2). Last evaluated 2020-12-17.

Conditions:
Cardiovascular phenotype. Identifiers: MedGen CN230736.

Allele frequency attached by ClinVar (database versions not stated): TOPMed below 0.00001; gnomAD exomes 0.00001.
gnomAD v4.1: 4 of 1,614,106 alleles (0.00025%); highest among the groups gnomAD compares: Non-Finnish European, 0.00034%; no homozygotes.

Submissions (2):

Revvity Omics, Revvity
Classification: Uncertain significance. Last evaluated: 2020-12-17. Review status: criteria provided, single submitter. Criteria: ACMG Guidelines, 2015. Collection method: clinical testing. Allele origin: germline.

Ambry Genetics
Classification: Uncertain significance for Cardiovascular phenotype. Last evaluated: 2019-07-26. Review status: criteria provided, single submitter. Criteria: Ambry Variant Classification Scheme 2023. Collection method: clinical testing. Allele origin: germline.
Comment: The p.E688K variant (also known as c.2062G>A), located in coding exon 12 of the TTN gene, results from a G to A substitution at nucleotide position 2062. The glutamic acid at codon 688 is replaced by lysine, an amino acid with similar properties. This amino acid position is well conserved in available vertebrate species. In addition, the in silico prediction for this alteration is inconclusive. Since supporting evidence is limited at this time, the clinical significance of this alteration remains unclear.

NM_001267550.2(TTN):c.2200G>A (p.Glu734Lys)

Gene: TTN (titin; minus strand). Cytogenetic location: 2q31.2.
Variant type: single nucleotide variant.
Coding change: c.2200G>A on transcript NM_001267550.2 (MANE Select); coding-DNA position 2200, G replaced by A.
Protein change: p.Glu734Lys; replaces glutamic acid 734 with lysine.
Molecular consequence: missense variant.
Genome position (GRCh38, 1-based): chr2:178,786,018, C>T on the plus strand (G>A on the coding strand, the complement: TTN is on the minus strand). VCF-style: chr2-178786018-C-T. GRCh37 (hg19) VCF-style: chr2-179650745-C-T.
Other names: c.2200G>A, p.Glu734Lys (NM_001256850.1, NM_133378.4, NM_133379.5); c.2062G>A, p.Glu688Lys (NM_003319.4, NM_133432.3, NM_133437.4); short protein forms E688K, E734K.
Identifiers: ClinVar variation 1785250 (VCV001785250.5), dbSNP rs761720375, ClinGen allele CA60982774.